The following is an entry in ClinVar:

ClinVar aggregate classification (germline): Uncertain significance (1 of 4 stars; one submission).

Conditions:
Inborn genetic diseases. Identifiers: MedGen C0950123, MeSH D030342.

gnomAD v4.1: 1 of 1,613,902 alleles (0.000062%); highest among the groups gnomAD compares: Non-Finnish European, 0.000085%; no homozygotes.

Submission:

Ambry Genetics
Classification: Uncertain significance for Inborn genetic diseases. Last evaluated: 2023-07-26. Review status: criteria provided, single submitter. Criteria: Ambry Variant Classification Scheme 2023. Collection method: clinical testing. Allele origin: germline.
Comment: The p.G269V variant (also known as c.806G>T), located in coding exon 7 of the ACD gene, results from a G to T substitution at nucleotide position 806. The glycine at codon 269 is replaced by valine, an amino acid with dissimilar properties. This amino acid position is conserved. In addition, this alteration is predicted to be tolerated by in silico analysis. Since supporting evidence is limited at this time, the clinical significance of this alteration remains unclear.

NM_001082486.2(ACD):c.548G>T (p.Gly183Val)

Gene: ACD (ACD shelterin complex subunit and telomerase recruitment factor; minus strand). Cytogenetic location: 16q22.1.
Variant type: single nucleotide variant.
Coding change: c.548G>T on transcript NM_001082486.2 (MANE Select); coding-DNA position 548, G replaced by T.
Protein change: p.Gly183Val; replaces glycine 183 with valine.
Molecular consequence: missense variant.
Genome position (GRCh38, 1-based): chr16:67,659,025, C>A on the plus strand (G>T on the coding strand, the complement: ACD is on the minus strand). VCF-style: chr16-67659025-C-A. GRCh37 (hg19) VCF-style: chr16-67692928-C-A.
Other names: c.548G>T, p.Gly183Val (NM_001410884.1); c.539G>T, p.Gly180Val (NM_022914.3); short protein forms G180V, G183V.
Identifiers: ClinVar variation 2624826 (VCV002624826.2), dbSNP rs2543603809, ClinGen allele CA396354227.